The following is an entry in ClinVar:

NM_006231.4(POLE):c.1641C>A (p.Leu547=)

Gene: POLE (DNA polymerase epsilon, catalytic subunit; minus strand). Cytogenetic location: 12q24.33.
Variant type: single nucleotide variant.
Coding change: c.1641C>A on transcript NM_006231.4 (MANE Select); coding-DNA position 1641, C replaced by A.
Protein change: p.Leu547=; no amino-acid change (leucine 547 retained).
Molecular consequence: synonymous variant.
Genome position (GRCh38, 1-based): chr12:132,672,672, G>T on the plus strand (C>A on the coding strand, the complement: POLE is on the minus strand). VCF-style: chr12-132672672-G-T. GRCh37 (hg19) VCF-style: chr12-133249258-G-T.
Identifiers: ClinVar variation 473474 (VCV000473474.25), dbSNP rs267603387, ClinGen allele CA6893896.

ClinVar aggregate classification (germline): Likely benign. Review status: criteria provided, multiple submitters, no conflicts (2 of 4 stars). 5 submissions from 5 submitters: Likely benign (4). 1 of the submissions does not count toward it. Last evaluated 2025-12-15.

Conditions:
Colorectal cancer, susceptibility to, 12 (CRCS12). Also called: COLORECTAL CANCER, SUSCEPTIBILITY TO, ON CHROMOSOME 12q24. Identifiers: Orphanet 220460, MedGen C3554460, MONDO:0014038, OMIM 615083.
Hereditary cancer-predisposing syndrome. Also called: Hereditary neoplastic syndrome; Tumor predisposition; Neoplastic Syndromes, Hereditary; Hereditary Cancer Syndrome. Identifiers: Orphanet 140162, MedGen C0027672, MeSH D009386, MONDO:0015356.

Allele frequency attached by ClinVar (database versions not stated): ExAC 0.00001; gnomAD 0.00003; ESP Exome Variant Server 0.00008.
gnomAD v4.1: 5 of 1,613,996 alleles (0.00031%); highest among the groups gnomAD compares: Admixed American, 0.0033%; no homozygotes.

Submissions (5):

Labcorp Genetics (formerly Invitae), Labcorp
Classification: Likely benign. Last evaluated: 2025-12-15. Review status: criteria provided, single submitter. Criteria: Invitae Variant Classification Sherloc (09022015). Collection method: clinical testing. Allele origin: germline.

CeGaT Center for Human Genetics Tuebingen
Classification: Likely benign. Last evaluated: 2025-06-01. Review status: criteria provided, single submitter. Criteria: CeGaT Center For Human Genetics Tuebingen Variant Classification Criteria Version 2. Collection method: clinical testing. Allele origin: germline. Affected: yes. Observed: 1 variant allele.
Comment: POLE: BP4, BP7

Blueprint Genetics
Classification: Likely benign. Last evaluated: 2024-06-21. Review status: criteria provided, single submitter. Criteria: ACMG Guidelines, 2015. Collection method: clinical testing. Allele origin: germline.

Ambry Genetics
Classification: Likely benign for Hereditary cancer-predisposing syndrome. Last evaluated: 2015-08-15. Review status: criteria provided, single submitter. Criteria: Ambry Variant Classification Scheme 2023. Collection method: clinical testing. Allele origin: germline.

Counsyl
Classification: Likely benign for Colorectal cancer, susceptibility to, 12. Last evaluated: 2017-08-08. Review status: no assertion criteria provided. Collection method: clinical testing. Allele origin: unknown. Not counted in ClinVar's aggregate classification.